The following is an entry in ClinVar:

NM_001267550.2(TTN):c.732C>T (p.Ala244=)

Gene: TTN (titin; minus strand). Cytogenetic location: 2q31.2.
Variant type: single nucleotide variant.
Coding change: c.732C>T on transcript NM_001267550.2 (MANE Select); coding-DNA position 732, C replaced by T.
Protein change: p.Ala244=; no amino-acid change (alanine 244 retained).
Molecular consequence: synonymous variant.
Genome position (GRCh38, 1-based): chr2:178,799,669, G>A on the plus strand (C>T on the coding strand, the complement: TTN is on the minus strand). VCF-style: chr2-178799669-G-A. GRCh37 (hg19) VCF-style: chr2-179664396-G-A.
Other names: c.732C>T, p.Ala244= (NM_133378.4, NM_001256850.1, NM_003319.4 and 3 more transcripts).
Identifiers: ClinVar variation 284992 (VCV000284992.30), dbSNP rs761859812, ClinGen allele CA2006233.

ClinVar aggregate classification (germline): Conflicting classifications of pathogenicity. Review status: criteria provided, conflicting classifications (1 of 4 stars). 11 submissions from 7 submitters: Uncertain significance (5); Likely benign (4). 2 of the submissions do not count toward it. Last evaluated 2025-11-08.

Conditions:
Cardiovascular phenotype. Identifiers: MedGen CN230736.
Autosomal recessive limb-girdle muscular dystrophy type 2J (LGMDR10). Also called: Limb-girdle muscular dystrophy, type 2J; MUSCULAR DYSTROPHY, LIMB-GIRDLE, AUTOSOMAL RECESSIVE 10. Identifiers: Orphanet 140922, MedGen C1837342, MONDO:0012127, OMIM 608807.
Dilated cardiomyopathy 1G (CMD1G). Identifiers: Orphanet 154, MedGen C1858763, MONDO:0011400, OMIM 604145.
Tibial muscular dystrophy (TMD). Also called: Tibial muscular dystrophy, tardive; UDD MYOPATHY; Udd Distal Myopathy – Tibial Muscular Dystrophy. Identifiers: Orphanet 609, MedGen C1838244, MONDO:0010870, OMIM 600334.
Myopathy, myofibrillar, 9, with early respiratory failure (MFM9). Also called: Hereditary myopathy with early respiratory failure; EDSTROM MYOPATHY; MYOPATHY, PROXIMAL, WITH EARLY RESPIRATORY MUSCLE INVOLVEMENT; Myopathy, distal, with early respiratory failure, autosomal dominant. Identifiers: Orphanet 178464, Orphanet 34521, MedGen C1863599, MONDO:0011362, OMIM 603689.
Early-onset myopathy with fatal cardiomyopathy (CMYO5). Also called: Salih Myopathy; CONGENITAL MYOPATHY 5 WITH CARDIOMYOPATHY. Identifiers: Orphanet 289377, MedGen C2673677, MONDO:0012714, OMIM 611705. Disease mechanism: loss of function.

Allele frequency attached by ClinVar (database versions not stated): gnomAD exomes 0.00002; ExAC 0.00003.
gnomAD v4.1: 37 of 1,614,000 alleles (0.0023%); highest among the groups gnomAD compares: South Asian, 0.0055%; no homozygotes.

Submissions (11):

Labcorp Genetics (formerly Invitae), Labcorp
Classification: Likely benign for Dilated cardiomyopathy 1G; Autosomal recessive limb-girdle muscular dystrophy type 2J. Last evaluated: 2025-11-08. Review status: criteria provided, single submitter. Criteria: Invitae Variant Classification Sherloc (09022015). Collection method: clinical testing. Allele origin: germline.

Ambry Genetics
Classification: Likely benign for Cardiovascular phenotype. Last evaluated: 2020-12-10. Review status: criteria provided, single submitter. Criteria: Ambry Variant Classification Scheme 2023. Collection method: clinical testing. Allele origin: germline.

Illumina Laboratory Services, Illumina
Classification: Uncertain significance for Dilated cardiomyopathy 1G. Last evaluated: 2018-01-13. Review status: criteria provided, single submitter. Criteria: ICSL Variant Classification Criteria 13 December 2019. Collection method: clinical testing. Allele origin: germline.

Illumina Laboratory Services, Illumina
Classification: Uncertain significance for Autosomal recessive limb-girdle muscular dystrophy type 2J. Last evaluated: 2018-01-13. Review status: criteria provided, single submitter. Criteria: ICSL Variant Classification Criteria 13 December 2019. Collection method: clinical testing. Allele origin: germline.

Illumina Laboratory Services, Illumina
Classification: Uncertain significance for Early-onset myopathy with fatal cardiomyopathy. Last evaluated: 2018-01-13. Review status: criteria provided, single submitter. Criteria: ICSL Variant Classification Criteria 13 December 2019. Collection method: clinical testing. Allele origin: germline.

Illumina Laboratory Services, Illumina
Classification: Uncertain significance for Myopathy, myofibrillar, 9, with early respiratory failure. Last evaluated: 2018-01-13. Review status: criteria provided, single submitter. Criteria: ICSL Variant Classification Criteria 13 December 2019. Collection method: clinical testing. Allele origin: germline.

Illumina Laboratory Services, Illumina
Classification: Likely benign for Tibial muscular dystrophy. Last evaluated: 2018-01-13. Review status: criteria provided, single submitter. Criteria: ICSL Variant Classification Criteria 13 December 2019. Collection method: clinical testing. Allele origin: germline.
Comment: This variant was observed in the ICSL laboratory as part of a predisposition screen in an ostensibly healthy population. It had not been previously curated by ICSL or reported in the Human Gene Mutation Database (HGMD: prior to June 1st, 2018), and was therefore a candidate for classification through an automated scoring system. Utilizing variant allele frequency, disease prevalence and penetrance estimates, and inheritance mode, an automated score was calculated to assess if this variant is too frequent to cause the disease. Based on the score and internal cut-off values, a variant classified as likely benign is not then subjected to further curation. The score for this variant resulted in a classification of likely benign for this disease.

Laboratory for Molecular Medicine, Mass General Brigham Personalized Medicine
Classification: Likely benign. Last evaluated: 2017-05-26. Review status: criteria provided, single submitter. Criteria: LMM Criteria. Collection method: clinical testing. Allele origin: germline. Observed: 1 variant allele.
Comment: p.Ala244Ala in exon 6 of TTN: This variant is not expected to have clinical sign ificance because it does not alter an amino acid residue and is not located with in the splice consensus sequence. It has been identified in 4/30782 of South Asi an chromosomes by the Genome Aggregation Database (gnomAD; dbSNP rs761859812).

Eurofins Ntd Llc (ga)
Classification: Uncertain significance. Last evaluated: 2015-12-11. Review status: criteria provided, single submitter. Criteria: EGL Classification Definitions 2015. Collection method: clinical testing. Allele origin: germline. Observed: 1 variant allele, 1 heterozygote.

Genome Diagnostics Laboratory, University Medical Center Utrecht
Classification: Likely benign. Review status: no assertion criteria provided. Collection method: clinical testing. Allele origin: germline. Affected: yes. Study: VKGL Data-share Consensus. Not counted in ClinVar's aggregate classification.

Joint Genome Diagnostic Labs from Nijmegen and Maastricht, Radboudumc and MUMC+
Classification: Likely benign. Review status: no assertion criteria provided. Collection method: clinical testing. Allele origin: germline. Affected: yes. Study: VKGL Data-share Consensus. Not counted in ClinVar's aggregate classification.